The following is an entry in ClinVar:

NM_000277.3(PAH):c.563G>A (p.Gly188Asp)

Gene: PAH (phenylalanine hydroxylase; minus strand). Cytogenetic location: 12q23.2.
Variant type: single nucleotide variant.
Coding change: c.563G>A on transcript NM_000277.3 (MANE Select); coding-DNA position 563, G replaced by A.
Protein change: p.Gly188Asp; replaces glycine 188 with aspartic acid.
Molecular consequence: missense variant.
Genome position (GRCh38, 1-based): chr12:102,855,279, C>T on the plus strand (G>A on the coding strand, the complement: PAH is on the minus strand). VCF-style: chr12-102855279-C-T. GRCh37 (hg19) VCF-style: chr12-103249057-C-T.
Other names: c.563G>A, p.Gly188Asp (NM_001354304.2); c.563G>A (NM_000277.2); short protein forms G188D.
Identifiers: ClinVar variation 102738 (VCV000102738.16), dbSNP rs199475689, ClinGen allele CA229628.

ClinVar aggregate classification (germline): Likely pathogenic. Review status: reviewed by expert panel (3 of 4 stars). 6 submissions from 6 submitters: Likely pathogenic (1). 5 of the submissions do not count toward it. Last evaluated 2019-11-18.

Conditions:
Phenylketonuria (PKU). Also called: Phenylketonuria (PKU); FOLLING DISEASE; OLIGOPHRENIA PHENYLPYRUVICA; Phenylketonurias. Identifiers: Orphanet 716, MedGen C0031485, MONDO:0009861, OMIM 261600. Disease mechanism: loss of function.

Submissions (6):

ClinGen PAH Variant Curation Expert Panel
Classification: Likely pathogenic for Phenylketonuria. Last evaluated: 2019-11-18. Review status: reviewed by expert panel. Criteria: ClinGen PAH ACMG Specifications v1. Collection method: curation. Allele origin: germline. Inheritance: Autosomal recessive inheritance.
Comment: The c.563G>A (p.Gly188Asp) variant in PAH has been reported in 3 affected individuals (BH4 deficiency excluded). (PP4_Moderate; PMID: 23430918, 26503515, 22526846). This variant is absent in population databases (PM2). This variant was detected with pathogenic variants p.F55fs (parental analysis not reported, PMID: 22526846) and p.R243Q (in trans, PMID: 26322415; PM3). Computational evidence support a deleterious effect (PP3). In summary, this variant meets criteria to be classified as likely pathogenic for PAH. PAH-specific ACMG/AMP criteria applied: PP4_Moderate, PM2, PM3, PP3.

Natera, Inc.
Classification: Likely pathogenic for Phenylketonuria. Last evaluated: 2025-03-11. Review status: criteria provided, single submitter. Criteria: Natera Variant Classification Schema (03/2026). Collection method: clinical testing. Allele origin: germline. Not counted in ClinVar's aggregate classification.
Comment: The c.563G>A variant in PAH is a missense variant predicted to cause substitution of glycine to aspartic acid at amino acid 188. This variant is rare in the general population with a frequency below the threshold expected for the associated phenotype(s). This variant has been observed in one or more individuals affected with the associated recessive disease, as either homozygous or compound heterozygous with a second variant (PMID: 22526846, 26322415). This variant has been identified in one or more affected individuals with a phenotype highly consistent with the associated gene (PMID: 22526846). A different variant at the same position has been determined to be Pathogenic or Likely Pathogenic. Computational prediction algorithms indicate this variant is likely to affect gene or protein function. Given the available evidence, this variant is classified as Likely Pathogenic.

Labcorp Genetics (formerly Invitae), Labcorp
Classification: Pathogenic for Phenylketonuria. Last evaluated: 2022-10-06. Review status: criteria provided, single submitter. Criteria: Invitae Variant Classification Sherloc (09022015). Collection method: clinical testing. Allele origin: germline. Not counted in ClinVar's aggregate classification.
Comment: This sequence change replaces glycine, which is neutral and non-polar, with aspartic acid, which is acidic and polar, at codon 188 of the PAH protein (p.Gly188Asp). This variant is not present in population databases (gnomAD no frequency). This missense change has been observed in individual(s) with hyperphenylalaninemia and/or phenylketonuria (PMID: 17557229, 22526846, 29499199, 32668217; Invitae; BIOPKU). In at least one individual the data is consistent with being in trans (on the opposite chromosome) from a pathogenic variant. ClinVar contains an entry for this variant (Variation ID: 102738). Advanced modeling of protein sequence and biophysical properties (such as structural, functional, and spatial information, amino acid conservation, physicochemical variation, residue mobility, and thermodynamic stability) performed at Invitae indicates that this missense variant is not expected to disrupt PAH protein function. For these reasons, this variant has been classified as Pathogenic.

Juno Genomics, Hangzhou Juno Genomics, Inc
Classification: Pathogenic for Phenylketonuria. Review status: criteria provided, single submitter. Criteria: ACMG Guidelines, 2015. Collection method: clinical testing. Allele origin: germline. Affected: yes. Not counted in ClinVar's aggregate classification.
Comment: Absent from controls (or at extremely low frequency if recessive) in Genome Aggregation Database, Exome Sequencing Project, 1000 Genomes Project, or Exome Aggregation Consortium.;For recessive disorders, detected in trans with a pathogenic variant.;Novel missense change at an amino acid residue where a different missense change determined to be pathogenic has been seen before.;Multiple lines of computational evidence support a deleterious effect on the gene or gene product (conservation, evolutionary, splicing impact, etc).

Counsyl
Classification: Likely pathogenic for Phenylketonuria. Last evaluated: 2018-05-29. Review status: no assertion criteria provided. Collection method: clinical testing. Allele origin: unknown. Not counted in ClinVar's aggregate classification.

DeBelle Laboratory for Biochemical Genetics, MUHC/MCH RESEARCH INSTITUTE
No classification provided. Review status: no classification provided. Collection method: not provided. Allele origin: not provided. Not counted in ClinVar's aggregate classification.

Literature cited by the submitters: PubMed 22526846 (cited by 3 submitters); PubMed 26322415 (cited by Natera, Inc. and Counsyl); PubMed 17557229 (cited by Labcorp Genetics (formerly Invitae), Labcorp); PubMed 29499199 (cited by Labcorp Genetics (formerly Invitae), Labcorp); PubMed 32668217 (cited by Labcorp Genetics (formerly Invitae), Labcorp); PubMed 23430918 (cited by Counsyl).